The following is an entry in ClinVar:

NM_133259.4(LRPPRC):c.3322_3325dup (p.Arg1109fs)

Gene: LRPPRC (leucine rich pentatricopeptide repeat containing; minus strand). Cytogenetic location: 2p21.
Variant type: Duplication.
Coding change: c.3322_3325dup on transcript NM_133259.4 (MANE Select); coding-DNA positions 3322 to 3325, 4 bases duplicated (AGCC; older notation c.3322_3325dupAGCC).
Protein change: p.Arg1109fs; shifts the reading frame from arginine 1109.
Molecular consequence: frameshift variant.
Genome position (GRCh38, 1-based): chr2:43,905,731-43,905,734, GGCT duplicated on the plus strand (AGCC on the coding strand, the reverse complement: LRPPRC is on the minus strand); duplicating any 4 consecutive bases within chr2:43,905,731-43,905,735 gives the same sequence; the c. name uses the placement nearest the transcript's 3' end. VCF-style (leftmost placement, unchanged base first): chr2-43905730-C-CGGCT. GRCh37 (hg19) VCF-style: chr2-44132869-C-CGGCT.
Other names: short protein forms R1109fs.
Identifiers: ClinVar variation 5012696 (VCV005012696.1).

ClinVar aggregate classification (germline): Pathogenic (1 of 4 stars; one submission).

Conditions:
Congenital lactic acidosis, Saguenay-Lac-Saint-Jean type (MC4DN5). Also called: CYTOCHROME c OXIDASE DEFICIENCY, FRENCH CANADIAN TYPE; COX DEFICIENCY, FRENCH CANADIAN TYPE; MITOCHONDRIAL COMPLEX IV DEFICIENCY, NUCLEAR TYPE 5. Identifiers: Orphanet 70472, MedGen C1857355, MONDO:0009069, OMIM 220111.

Submission:

Myriad Genetics, Inc.
Classification: Pathogenic for Congenital lactic acidosis, Saguenay-Lac-Saint-Jean type. Last evaluated: 2024-01-30. Review status: criteria provided, single submitter. Criteria: Myriad Autosomal Dominant, Autosomal Recessive and X-Linked Classification Criteria (2023). Collection method: clinical testing. Allele origin: unknown.
Comment: NM_133259.3(LRPPRC):c.3322_3325dupAGCC(R1109Qfs*9) is expected to be pathogenic in the context of Leigh syndrome, French-Canadian type. This variant is predicted to lead to an abnormal or absent protein product due to the creation of a premature termination codon in LRPPRC, a gene where loss-of-function variants are known to be pathogenic. Please note: this variant was assessed in the context of healthy population screening.